The following is an entry in ClinVar:

ClinVar aggregate classification (germline): Pathogenic (1 of 4 stars; one submission).

Conditions:
Cardiovascular phenotype. Identifiers: MedGen CN230736.

Submission:

Molecular Diagnostic Laboratory for Inherited Cardiovascular Disease, Montreal Heart Institute
Classification: Pathogenic for Cardiovascular phenotype. Last evaluated: 2026-08-04. Review status: criteria provided, single submitter. Criteria: ACMG Guidelines, 2015. Collection method: clinical testing. Allele origin: germline. Affected: yes.
Comment: PM1_strong, PM2, PM5, PM6, PP2, PP3, PP4

NM_000138.5(FBN1):c.6794G>T (p.Cys2265Phe)

Gene: FBN1 (fibrillin 1; minus strand). Cytogenetic location: 15q21.1.
Variant type: single nucleotide variant.
Coding change: c.6794G>T on transcript NM_000138.5 (MANE Select); coding-DNA position 6794, G replaced by T.
Protein change: p.Cys2265Phe; replaces cysteine 2265 with phenylalanine.
Molecular consequence: missense variant.
Genome position (GRCh38, 1-based): chr15:48,430,748, C>A on the plus strand (G>T on the coding strand, the complement: FBN1 is on the minus strand). VCF-style: chr15-48430748-C-A. GRCh37 (hg19) VCF-style: chr15-48722945-C-A.
Other names: c.6794G>T, p.Cys2265Phe (NM_001406716.1); short protein forms C2265F.
Identifiers: ClinVar variation 5037819 (VCV005037819.1).